The following is an entry in ClinVar:

NM_015202.5(KATNIP):c.2516A>G (p.Asp839Gly)

Gene: KATNIP (katanin interacting protein; plus strand). Cytogenetic location: 16p12.1.
Variant type: single nucleotide variant.
Coding change: c.2516A>G on transcript NM_015202.5 (MANE Select); coding-DNA position 2516, A replaced by G.
Protein change: p.Asp839Gly; replaces aspartic acid 839 with glycine.
Molecular consequence: missense variant.
Genome position (GRCh38, 1-based): chr16:27,740,813, A>G. VCF-style: chr16-27740813-A-G. GRCh37 (hg19) VCF-style: chr16-27752134-A-G.
Other names: p.Asp839Gly; c.2516A>G (NM_015202.4); short protein forms D839G.
Identifiers: ClinVar variation 1258316 (VCV001258316.41), dbSNP rs139475287, ClinGen allele CA7977981.
Genomic context (GRCh38, chr16:27,740,813, plus strand): 5'-GTGTCAACACCAAGGAGAGACCCCAGAGGGCAACCACCAAAGTCCACAGTGATGACTCAG[A>G]CATCTTTAACCAGCCCCCCAACAGAGAGCGCCCTGCTAGTGGGAGGAGGGGCTCAAGGAA-3'
Protein context (NP_056017.4, residues 829-849): ATTKVHSDDS[Asp839Gly]IFNQPPNRER

ClinVar aggregate classification (germline): Benign/Likely benign. Review status: criteria provided, multiple submitters, no conflicts (2 of 4 stars). 5 submissions from 5 submitters: Benign (4); Likely benign (1). Last evaluated 2026-09-01.

Allele frequency attached by ClinVar (database versions not stated): TOPMed 0.00402; 1000 Genomes Project 30x 0.00437; 1000 Genomes Project 0.00439; ESP Exome Variant Server 0.00462; gnomAD exomes 0.00986 and 0.01338; gnomAD 0.01165 and 0.01223; ExAC 0.01228.
gnomAD v4.1: 15,985 of 1,614,066 alleles (0.99%); highest among the groups gnomAD compares: Non-Finnish European, 0.79%; 366 homozygotes.

Submissions (5):

CeGaT Center for Human Genetics Tuebingen
Classification: Likely benign. Last evaluated: 2026-09-01. Review status: criteria provided, single submitter. Criteria: CeGaT Center For Human Genetics Tuebingen Variant Classification Criteria Version 2. Collection method: clinical testing. Allele origin: germline. Affected: yes. Observed: 25 variant alleles.
Comment: KATNIP: BP4, BS2

Labcorp Genetics (formerly Invitae), Labcorp
Classification: Benign. Last evaluated: 2026-01-04. Review status: criteria provided, single submitter. Criteria: Invitae Variant Classification Sherloc (09022015). Collection method: clinical testing. Allele origin: germline.

Mayo Clinic Laboratories, Mayo Clinic
Classification: Benign. Last evaluated: 2023-04-03. Review status: criteria provided, single submitter. Criteria: ACMG Guidelines, 2015. Collection method: clinical testing. Allele origin: germline. Observed: 2 variant alleles.

GeneDx
Classification: Benign. Last evaluated: 2021-06-09. Review status: criteria provided, single submitter. Criteria: GeneDx Variant Classification Process June 2021. Collection method: clinical testing. Allele origin: germline. Affected: yes.

Breakthrough Genomics
Classification: Benign. Review status: criteria provided, single submitter. Criteria: ACMG Guidelines, 2015. Collection method: not provided. Allele origin: germline. Inheritance: Autosomal recessive inheritance. Affected: yes.